The following is an entry in ClinVar:

ClinVar aggregate classification (germline): Uncertain significance (1 of 4 stars; one submission).

Conditions:
DICER1-related tumor predisposition. Also called: DICER1-related pleuropulmonary blastoma cancer predisposition syndrome; DICER1 syndrome. Identifiers: Orphanet 284343, MedGen C3839822, MONDO:0100216.

Submission:

Labcorp Genetics (formerly Invitae), Labcorp
Classification: Uncertain significance for DICER1-related tumor predisposition. Last evaluated: 2024-05-21. Review status: criteria provided, single submitter. Criteria: Invitae Variant Classification Sherloc (09022015). Collection method: clinical testing. Allele origin: germline.
Comment: This sequence change replaces leucine, which is neutral and non-polar, with proline, which is neutral and non-polar, at codon 1707 of the DICER1 protein (p.Leu1707Pro). This variant is not present in population databases (gnomAD no frequency). This variant has not been reported in the literature in individuals affected with DICER1-related conditions. Advanced modeling of protein sequence and biophysical properties (such as structural, functional, and spatial information, amino acid conservation, physicochemical variation, residue mobility, and thermodynamic stability) performed at Invitae indicates that this missense variant is expected to disrupt DICER1 protein function with a positive predictive value of 80%. In summary, the available evidence is currently insufficient to determine the role of this variant in disease. Therefore, it has been classified as a Variant of Uncertain Significance.

NM_177438.3(DICER1):c.5120T>C (p.Leu1707Pro)

Gene: DICER1 (dicer 1, ribonuclease III; minus strand). Cytogenetic location: 14q32.13.
Variant type: single nucleotide variant.
Coding change: c.5120T>C on transcript NM_177438.3 (MANE Select); coding-DNA position 5120, T replaced by C.
Protein change: p.Leu1707Pro; replaces leucine 1707 with proline.
Molecular consequence: missense variant. On other transcripts: non-coding transcript variant (6).
Genome position (GRCh38, 1-based): chr14:95,094,132, A>G on the plus strand (T>C on the coding strand, the complement: DICER1 is on the minus strand). VCF-style: chr14-95094132-A-G. GRCh37 (hg19) VCF-style: chr14-95560469-A-G.
Other names: c.5120T>C, p.Leu1707Pro (NM_030621.4, NM_001271282.3, NM_001291628.2 and 8 more transcripts); c.4715T>C, p.Leu1572Pro (NM_001395687.1, NM_001395688.1, NM_001395689.1 and 1 more transcripts); c.4838T>C, p.Leu1613Pro (NM_001395686.1); c.4553T>C, p.Leu1518Pro (NM_001395691.1); c.3437T>C, p.Leu1146Pro (NM_001395697.1); short protein forms L1613P, L1707P, L1572P, L1146P, L1518P.
Identifiers: ClinVar variation 3653981 (VCV003653981.2).